The following is an entry in ClinVar:

GRCh38/hg38 17q21.33-22(chr17:49974533-56807609)x1

Genes: ABCC3 (ATP binding cassette subfamily C member 3; plus strand), ACSF2 (acyl-CoA synthetase family member 2; plus strand), ANKFN1 (ankyrin repeat and fibronectin type III domain containing 1; plus strand), ANKRD40 (ankyrin repeat domain 40; minus strand), ANKRD40CL (ANKRD40 C-terminal like; minus strand) and 195 more. Cytogenetic location: 17q21.33-22.
Variant type: copy number loss.
Change: copy number 1 (one copy instead of two) of chr17:49,974,533-56,807,609 (6.83 Mb, GRCh38 coordinates, 1-based), cytogenetic band 17q21.33-22.
Identifiers: ClinVar variation 59590 (VCV000059590.2).

ClinVar aggregate classification (germline): Pathogenic (1 of 4 stars; one submission).

Submission:

ISCA site 17
Classification: Pathogenic. Last evaluated: 2011-08-12. Review status: criteria provided, single submitter. Criteria: Kaminsky et al. (Genet Med. 2011). Collection method: clinical testing. Allele origin: unknown. Affected: yes. Observed: 1 variant allele.
Comment: Copy number variation identified through the course of routine clinical cytogenomic testing in postnatal populations. Clinical assertions have been curated as described in Kaminsky et al. 2011.